The following is an entry in ClinVar:

ClinVar aggregate classification (germline): Uncertain significance. Review status: criteria provided, multiple submitters, no conflicts (2 of 4 stars). 2 submissions from 2 submitters: Uncertain significance (2). Last evaluated 2025-09-07.

Conditions:
Inborn genetic diseases. Identifiers: MedGen C0950123, MeSH D030342.

Submissions (2):

Labcorp Genetics (formerly Invitae), Labcorp
Classification: Uncertain significance. Last evaluated: 2025-09-07. Review status: criteria provided, single submitter. Criteria: Invitae Variant Classification Sherloc (09022015). Collection method: clinical testing. Allele origin: germline.
Comment: This sequence change replaces leucine, which is neutral and non-polar, with proline, which is neutral and non-polar, at codon 1239 of the SIN3A protein (p.Leu1239Pro). This variant is not present in population databases (gnomAD no frequency). This variant has not been reported in the literature in individuals affected with SIN3A-related conditions. ClinVar contains an entry for this variant (Variation ID: 2172970). Invitae Evidence Modeling of protein sequence and biophysical properties (such as structural, functional, and spatial information, amino acid conservation, physicochemical variation, residue mobility, and thermodynamic stability) indicates that this missense variant is not expected to disrupt SIN3A protein function with a negative predictive value of 80%. In summary, the available evidence is currently insufficient to determine the role of this variant in disease. Therefore, it has been classified as a Variant of Uncertain Significance.

Ambry Genetics
Classification: Uncertain significance for Inborn genetic diseases. Last evaluated: 2025-08-03. Review status: criteria provided, single submitter. Criteria: Ambry Variant Classification Scheme 2023. Collection method: clinical testing. Allele origin: germline.

NM_001145358.2(SIN3A):c.3716T>C (p.Leu1239Pro)

Gene: SIN3A (SIN3 transcription regulator family member A; minus strand). Cytogenetic location: 15q24.2.
Variant type: single nucleotide variant.
Coding change: c.3716T>C on transcript NM_001145358.2 (MANE Select); coding-DNA position 3716, T replaced by C.
Protein change: p.Leu1239Pro; replaces leucine 1239 with proline.
Molecular consequence: missense variant.
Genome position (GRCh38, 1-based): chr15:75,372,085, A>G on the plus strand (T>C on the coding strand, the complement: SIN3A is on the minus strand). VCF-style: chr15-75372085-A-G. GRCh37 (hg19) VCF-style: chr15-75664426-A-G.
Other names: c.3716T>C, p.Leu1239Pro (NM_001145357.2, NM_015477.3); c.3716T>C (NM_001145358.1); short protein forms L1239P.
Identifiers: ClinVar variation 2172970 (VCV002172970.5), dbSNP rs2542982127, ClinGen allele CA393482941.
Genomic context (GRCh38, chr15:75,372,085, plus strand): 5'-ATGCTCACAAAATGCAGGGTCTCTGTATCACAGGTGGTGGTACAGGGCACCAGGCCCTCC[A>G]GCCCCTCACCCATGAGCCACTTGCTGGTCTCTGCTGCCATTTCACGGGGCACATGCTCCT-3'
Protein context (NP_001138830.1, residues 1229-1249): ETSKWLMGEG[Leu1239Pro]EGLVPCTTTC